The following is an entry in ClinVar:

ClinVar aggregate classification (germline): Benign/Likely benign. Review status: criteria provided, multiple submitters, no conflicts (2 of 4 stars). 11 submissions from 10 submitters: Benign (1); Likely benign (9). 1 of the submissions does not count toward it. Last evaluated 2026-07-01.

Conditions:
NOTCH1-related disorder. Also called: NOTCH1-related condition; NOTCH1-related disorders.
Adams-Oliver syndrome 5 (AOS5). Identifiers: Orphanet 974, MedGen C4014970, MONDO:0014459, OMIM 616028.
Familial thoracic aortic aneurysm and aortic dissection (TAAD). Also called: Thoracic aortic aneurysms and dissections. Identifiers: Orphanet 91387, MedGen C4707243, MONDO:0019625.
Aortic valve disease 1 (AOVD1). Identifiers: MedGen C3887892, MONDO:0024523, OMIM 109730.

Allele frequency attached by ClinVar (database versions not stated): TOPMed 0.00011; 1000 Genomes Project 30x 0.00016; ESP Exome Variant Server 0.00024.
gnomAD v4.1: 275 of 1,612,814 alleles (0.017%); highest among the groups gnomAD compares: Middle Eastern, 0.3%; 1 homozygote.

Submissions (11):

CeGaT Center for Human Genetics Tuebingen
Classification: Likely benign. Last evaluated: 2026-07-01. Review status: criteria provided, single submitter. Criteria: CeGaT Center For Human Genetics Tuebingen Variant Classification Criteria Version 2. Collection method: clinical testing. Allele origin: germline. Affected: yes. Observed: 4 variant alleles.
Comment: NOTCH1: BP4, BP7

Labcorp Genetics (formerly Invitae), Labcorp
Classification: Likely benign for Adams-Oliver syndrome 5. Last evaluated: 2026-02-01. Review status: criteria provided, single submitter. Criteria: Invitae Variant Classification Sherloc (09022015). Collection method: clinical testing. Allele origin: germline.

ARUP Laboratories, Molecular Genetics and Genomics, ARUP Laboratories
Classification: Likely benign. Last evaluated: 2025-03-12. Review status: criteria provided, single submitter. Criteria: ARUP Molecular Germline Variant Investigation Process 2024. Collection method: clinical testing. Allele origin: germline.

Blueprint Genetics
Classification: Likely benign. Last evaluated: 2024-07-25. Review status: criteria provided, single submitter. Criteria: ACMG Guidelines, 2015. Collection method: clinical testing. Allele origin: germline.

Women's Health and Genetics/Laboratory Corporation of America, LabCorp
Classification: Benign. Last evaluated: 2023-07-21. Review status: criteria provided, single submitter. Criteria: LabCorp Variant Classification Summary - May 2015. Collection method: clinical testing. Allele origin: germline.

Genome-Nilou Lab
Classification: Likely benign for Adams-Oliver syndrome 5. Last evaluated: 2022-03-15. Review status: criteria provided, single submitter. Criteria: ACMG Guidelines, 2015. Collection method: clinical testing. Allele origin: germline. Affected: no.

Genome-Nilou Lab
Classification: Likely benign for Aortic valve disease 1. Last evaluated: 2022-03-15. Review status: criteria provided, single submitter. Criteria: ACMG Guidelines, 2015. Collection method: clinical testing. Allele origin: germline. Affected: no.

GeneDx
Classification: Likely benign. Last evaluated: 2020-02-04. Review status: criteria provided, single submitter. Criteria: GeneDx Variant Classification Process June 2021. Collection method: clinical testing. Allele origin: germline. Affected: yes.

Ambry Genetics
Classification: Likely benign for Familial thoracic aortic aneurysm and aortic dissection. Last evaluated: 2015-07-09. Review status: criteria provided, single submitter. Criteria: Ambry Variant Classification Scheme 2023. Collection method: clinical testing. Allele origin: germline.

Breakthrough Genomics
Classification: Likely benign. Review status: criteria provided, single submitter. Criteria: ACMG Guidelines, 2015. Collection method: not provided. Allele origin: germline. Inheritance: Autosomal dominant inheritance. Affected: yes.

PreventionGenetics, part of Exact Sciences
Classification: Likely benign for NOTCH1-related condition. Last evaluated: 2024-03-26. Review status: no assertion criteria provided. Collection method: clinical testing. Allele origin: germline. Not counted in ClinVar's aggregate classification.
Comment: This variant is classified as likely benign based on ACMG/AMP sequence variant interpretation guidelines (Richards et al. 2015 PMID: 25741868, with internal and published modifications).

NM_017617.5(NOTCH1):c.750C>A (p.Thr250=)

Gene: NOTCH1 (notch receptor 1; minus strand). Cytogenetic location: 9q34.3.
Variant type: single nucleotide variant.
Coding change: c.750C>A on transcript NM_017617.5 (MANE Select); coding-DNA position 750, C replaced by A.
Protein change: p.Thr250=; no amino-acid change (threonine 250 retained).
Molecular consequence: synonymous variant.
Genome position (GRCh38, 1-based): chr9:136,519,558, G>T on the plus strand (C>A on the coding strand, the complement: NOTCH1 is on the minus strand). VCF-style: chr9-136519558-G-T. GRCh37 (hg19) VCF-style: chr9-139414010-G-T.
Other names: c.750C>A (NM_017617.4); c.750C>A, p.Thr250= (LRG_1122t1).
Identifiers: ClinVar variation 477970 (VCV000477970.38), dbSNP rs375772590, ClinGen allele CA5342049.